The following is an entry in ClinVar:

ClinVar aggregate classification (germline): Benign/Likely benign. Review status: criteria provided, multiple submitters, no conflicts (2 of 4 stars). 3 submissions from 3 submitters: Benign (2); Likely benign (1). Last evaluated 2025-08-18.

Allele frequency attached by ClinVar (database versions not stated): gnomAD 0.00215 and 0.00248; TOPMed 0.00255; 1000 Genomes Project 30x 0.00312; ESP Exome Variant Server 0.00363; 1000 Genomes Project 0.00379; gnomAD exomes 0.00381; ExAC 0.00422.
gnomAD v4.1: 6,859 of 1,586,460 alleles (0.43%); highest among the groups gnomAD compares: South Asian, 1.3%; 31 homozygotes.

Submissions (3):

Genomic Medicine Center of Excellence, King Faisal Specialist Hospital and Research Centre
Classification: Likely benign. Last evaluated: 2025-08-18. Review status: criteria provided, single submitter. Criteria: ACMG Guidelines, 2015. Collection method: clinical testing. Allele origin: germline.

CeGaT Center for Human Genetics Tuebingen
Classification: Benign. Last evaluated: 2023-01-01. Review status: criteria provided, single submitter. Criteria: CeGaT Center For Human Genetics Tuebingen Variant Classification Criteria Version 2. Collection method: clinical testing. Allele origin: germline. Affected: yes. Observed: 2 variant alleles.
Comment: CSMD1: BS1, BS2

Labcorp Genetics (formerly Invitae), Labcorp
Classification: Benign. Last evaluated: 2019-12-31. Review status: criteria provided, single submitter. Criteria: Invitae Variant Classification Sherloc (09022015). Collection method: clinical testing. Allele origin: germline.

NM_033225.6(CSMD1):c.6781C>G (p.Pro2261Ala)

Genes: CSMD1 (CUB and Sushi multiple domains 1; minus strand), LOC126860285 (BRD4-independent group 4 enhancer GRCh37_chr8:2964721-2965920; plus strand). Cytogenetic location: 8p23.2.
Variant type: single nucleotide variant.
Coding change: c.6781C>G on transcript NM_033225.6 (MANE Select); coding-DNA position 6781, C replaced by G.
Protein change: p.Pro2261Ala; replaces proline 2261 with alanine.
Molecular consequence: missense variant.
Genome position (GRCh38, 1-based): chr8:3,107,772, G>C on the plus strand (C>G on the coding strand, the complement: CSMD1 is on the minus strand). VCF-style: chr8-3107772-G-C. GRCh37 (hg19) VCF-style: chr8-2965294-G-C.
Other names: short protein forms P2261A.
Identifiers: ClinVar variation 788818 (VCV000788818.29), dbSNP rs190894161, ClinGen allele CA4606293.
Genomic context (GRCh38, chr8:3,107,772, plus strand): 5'-TATTACCTATTTCGAAATCATCATCCTCAGTAAGCATTTCTGCCTGTGGAACCGCTGGGG[G>C]AGGTTGACATTTCTTGAGCTGAAATGCTAAATGATTAATGGAAAGAATAATAATAATTGC-3'
Protein context (NP_150094.5, residues 2251-2271): HAFQLKKCQP[Pro2261Ala]PAVPQAEMLT